The following is an entry in ClinVar:

ClinVar aggregate classification (germline): Uncertain significance (1 of 4 stars; one submission).

Submission:

Labcorp Genetics (formerly Invitae), Labcorp
Classification: Uncertain significance. Last evaluated: 2024-01-05. Review status: criteria provided, single submitter. Criteria: Invitae Variant Classification Sherloc (09022015). Collection method: clinical testing. Allele origin: germline.
Comment: This sequence change replaces arginine, which is basic and polar, with isoleucine, which is neutral and non-polar, at codon 1034 of the STAG2 protein (p.Arg1034Ile). This variant is not present in population databases (gnomAD no frequency). This variant has not been reported in the literature in individuals affected with STAG2-related conditions. Advanced modeling of protein sequence and biophysical properties (such as structural, functional, and spatial information, amino acid conservation, physicochemical variation, residue mobility, and thermodynamic stability) performed at Invitae indicates that this missense variant is not expected to disrupt STAG2 protein function with a negative predictive value of 80%. In summary, the available evidence is currently insufficient to determine the role of this variant in disease. Therefore, it has been classified as a Variant of Uncertain Significance.

NM_001042750.2(STAG2):c.3101G>T (p.Arg1034Ile)

Gene: STAG2 (STAG2 cohesin complex component; plus strand). Cytogenetic location: Xq25.
Variant type: single nucleotide variant.
Coding change: c.3101G>T on transcript NM_001042750.2 (MANE Select); coding-DNA position 3101, G replaced by T.
Protein change: p.Arg1034Ile; replaces arginine 1034 with isoleucine.
Molecular consequence: missense variant.
Genome position (GRCh38, 1-based): chrX:124,086,594, G>T. VCF-style: chrX-124086594-G-T. GRCh37 (hg19) VCF-style: chrX-123220444-G-T.
Other names: c.3101G>T, p.Arg1034Ile (NM_001042749.2, NM_001042751.2, NM_001282418.2 and 13 more transcripts); short protein forms R1034I.
Identifiers: ClinVar variation 2707843 (VCV002707843.3), dbSNP rs2148465192, ClinGen allele CA414280813.